The following is an entry in ClinVar:

ClinVar aggregate classification (germline): Pathogenic (1 of 4 stars; one submission).

Conditions:
Tyrosinemia type I (TYRSN1). Also called: Deficiency of fumarylacetoacetase; FAH DEFICIENCY; Tyrosinemia type 1; Fumarylacetoacetase deficiency; HEPATORENAL TYROSINEMIA. Identifiers: Orphanet 882, MedGen C0268490, MONDO:0010161, OMIM 276700. Disease mechanism: loss of function.

Submission:

Labcorp Genetics (formerly Invitae), Labcorp
Classification: Pathogenic for Tyrosinemia type I. Last evaluated: 2023-06-23. Review status: criteria provided, single submitter. Criteria: Invitae Variant Classification Sherloc (09022015). Collection method: clinical testing. Allele origin: germline.
Comment: This sequence change creates a premature translational stop signal (p.Ala311Glyfs*63) in the FAH gene. It is expected to result in an absent or disrupted protein product. Loss-of-function variants in FAH are known to be pathogenic (PMID: 9101289, 9633815). This variant is not present in population databases (gnomAD no frequency). This variant has not been reported in the literature in individuals affected with FAH-related conditions. ClinVar contains an entry for this variant (Variation ID: 1460135). For these reasons, this variant has been classified as Pathogenic.

Literature cited by the submitters: PubMed 9101289; PubMed 9633815.

NM_000137.4(FAH):c.932del (p.Ala311fs)

Gene: FAH (fumarylacetoacetate hydrolase; plus strand). Cytogenetic location: 15q25.1.
Variant type: Deletion.
Coding change: c.932del on transcript NM_000137.4 (MANE Select); coding-DNA position 932, one base deleted (C; older notation c.932delC).
Protein change: p.Ala311fs; shifts the reading frame from alanine 311.
Molecular consequence: frameshift variant.
Genome position (GRCh38, 1-based): chr15:80,177,555, C deleted. VCF-style (leftmost placement, unchanged base first): chr15-80177554-GC-G. GRCh37 (hg19) VCF-style: chr15-80469896-GC-G.
Other names: c.932del, p.Ala311fs (NM_001374377.1, NM_001374380.1); short protein forms A311fs.
Identifiers: ClinVar variation 1460135 (VCV001460135.6), dbSNP rs2142105509, ClinGen allele CA2573151212.